The following is an entry in ClinVar:

ClinVar aggregate classification (germline): Likely benign (1 of 4 stars; one submission).

Allele frequency attached by ClinVar (database versions not stated): 1000 Genomes Project 30x 0.00031; 1000 Genomes Project 0.00040; TOPMed 0.00093; gnomAD 0.00107; gnomAD exomes 0.00142.
gnomAD v4.1: 506 of 398,600 alleles (0.13%); highest among the groups gnomAD compares: Non-Finnish European, 0.18%; 3 homozygotes.

Submission:

CeGaT Center for Human Genetics Tuebingen
Classification: Likely benign. Last evaluated: 2026-03-01. Review status: criteria provided, single submitter. Criteria: CeGaT Center For Human Genetics Tuebingen Variant Classification Criteria Version 2. Collection method: clinical testing. Allele origin: germline. Affected: yes. Observed: 7 variant alleles.
Comment: KCNQ1OT1: BS1

NM_000218.3(KCNQ1):c.1514+9244C>T

Genes: KCNQ1 (potassium voltage-gated channel subfamily Q member 1; plus strand), KCNQ1OT1 (KCNQ1 opposite strand/antisense transcript 1; minus strand). Cytogenetic location: 11p15.5.
Variant type: single nucleotide variant.
Coding change: c.1514+9244C>T on transcript NM_000218.3 (MANE Select); 9244 bases into the intron after coding-DNA position 1514, C replaced by T.
Molecular consequence: intron variant. On other transcripts: non-coding transcript variant (1).
Genome position (GRCh38, 1-based): chr11:2,671,325, C>T. VCF-style: chr11-2671325-C-T. GRCh37 (hg19) VCF-style: chr11-2692555-C-T.
Other names: c.1244+9244C>T (NM_001406837.1); c.1418+9244C>T (NM_001406836.1); c.974+9244C>T (NM_001406838.1); c.1133+9244C>T (NM_181798.2).
Identifiers: ClinVar variation 2641467 (VCV002641467.24), dbSNP rs576453276, ClinGen allele CA216177999.
Genomic context (GRCh38, chr11:2,671,325, plus strand): 5'-CCCAGCCCCTTAGCCTCTGATCTTCTCCATAAGTAATCTTTTCCCATGTGTGGCTGCAGC[C>T]TCAGAGGCTCCCTCTGAAGATGACACTGGGAATATCCTGAAAAAGGTACAGGAACACCTG-3'